The following is an entry in ClinVar:

NM_000152.5(GAA):c.990G>C (p.Trp330Cys)

Gene: GAA (alpha glucosidase; plus strand). Cytogenetic location: 17q25.3.
Variant type: single nucleotide variant.
Coding change: c.990G>C on transcript NM_000152.5 (MANE Select); coding-DNA position 990, G replaced by C.
Protein change: p.Trp330Cys; replaces tryptophan 330 with cysteine.
Molecular consequence: missense variant.
Genome position (GRCh38, 1-based): chr17:80,108,324, G>C. VCF-style: chr17-80108324-G-C. GRCh37 (hg19) VCF-style: chr17-78082123-G-C.
Other names: c.990G>C, p.Trp330Cys (NM_001079803.3, NM_001079804.3, NM_001406741.1 and 1 more transcripts); short protein forms W330C.
Identifiers: ClinVar variation 2066523 (VCV002066523.4), dbSNP rs2510362025, ClinGen allele CA401364494.
Genomic context (GRCh38, chr17:80,108,324, plus strand): 5'-CAACCCCAGAGCTGCTTCCCTTCCAGATGTGGTCCTGCAGCCGAGCCCTGCCCTTAGCTG[G>C]AGGTCGACAGGTGGGATCCTGGATGTCTACATCTTCCTGGGCCCAGAGCCCAAGAGCGTG-3'
Protein context (NP_000143.2, residues 320-340): VVLQPSPALS[Trp330Cys]RSTGGILDVY

ClinVar aggregate classification (germline): Likely pathogenic (1 of 4 stars; one submission).

Conditions:
Glycogen storage disease, type II (IOPD). Also called: CARDIOMEGALIA GLYCOGENICA DIFFUSA; GLYCOGENOSIS, GENERALIZED, CARDIAC FORM; GSD II; Glucosidase acid-1,4-alpha deficiency; Pompe Disease; Glycogen storage disease type 2. Identifiers: Orphanet 365, MedGen C0017921, MONDO:0009290, OMIM 232300.

Submission:

Labcorp Genetics (formerly Invitae), Labcorp
Classification: Likely pathogenic for Glycogen storage disease, type II. Last evaluated: 2023-08-29. Review status: criteria provided, single submitter. Criteria: Invitae Variant Classification Sherloc (09022015). Collection method: clinical testing. Allele origin: germline.
Comment: This variant disrupts the p.Trp330 amino acid residue in GAA. Other variant(s) that disrupt this residue have been determined to be pathogenic (PMID: 16782080). This suggests that this residue is clinically significant, and that variants that disrupt this residue are likely to be disease-causing. Algorithms developed to predict the effect of sequence changes on RNA splicing suggest that this variant may create or strengthen a splice site. Advanced modeling of protein sequence and biophysical properties (such as structural, functional, and spatial information, amino acid conservation, physicochemical variation, residue mobility, and thermodynamic stability) performed at Invitae indicates that this missense variant is expected to disrupt GAA protein function. ClinVar contains an entry for this variant (Variation ID: 2066523). This variant has not been reported in the literature in individuals affected with GAA-related conditions. This variant is not present in population databases (gnomAD no frequency). This sequence change replaces tryptophan, which is neutral and slightly polar, with cysteine, which is neutral and slightly polar, at codon 330 of the GAA protein (p.Trp330Cys). In summary, the currently available evidence indicates that the variant is pathogenic, but additional data are needed to prove that conclusively. Therefore, this variant has been classified as Likely Pathogenic.

Literature cited by the submitters: PubMed 16782080.